The following is an entry in ClinVar:

NM_002734.5(PRKAR1A):c.908T>G (p.Leu303Arg)

Gene: PRKAR1A (protein kinase cAMP-dependent type I regulatory subunit alpha; plus strand). Cytogenetic location: 17q24.2.
Variant type: single nucleotide variant.
Coding change: c.908T>G on transcript NM_002734.5 (MANE Select); coding-DNA position 908, T replaced by G.
Protein change: p.Leu303Arg; replaces leucine 303 with arginine.
Molecular consequence: missense variant.
Genome position (GRCh38, 1-based): chr17:68,529,936, T>G. VCF-style: chr17-68529936-T-G. GRCh37 (hg19) VCF-style: chr17-66526077-T-G.
Other names: c.908T>G, p.Leu303Arg (NM_001276289.2, NM_001276290.1, NM_001278433.2 and 4 more transcripts); short protein forms L303R.
Identifiers: ClinVar variation 1476849 (VCV001476849.5), dbSNP rs1424094903, ClinGen allele CA400754107.
Genomic context (GRCh38, chr17:68,529,936, plus strand): 5'-TTGAGAGTGTGTGTTTGTTTAGCTTTTTGGTGATTTTATTATAGGGGTCAGCTGCTGTGC[T>G]ACAACGTCGGTCAGAAAATGAAGAGTTTGTTGAAGTGGGAAGATTGGGGCCTTCTGATTA-3'
Protein context (NP_002725.1, residues 293-313): FIILEGSAAV[Leu303Arg]QRRSENEEFV

ClinVar aggregate classification (germline): Uncertain significance (1 of 4 stars; one submission).

Conditions:
Carney complex, type 1 (CNC1). Also called: CARNEY MYXOMA-ENDOCRINE COMPLEX; CARNEY COMPLEX, TYPE I. Identifiers: Orphanet 1359, MedGen C2607929, MONDO:0008057, OMIM 160980.

Allele frequency attached by ClinVar (database versions not stated): gnomAD 0.00001.
gnomAD v4.1: 1 of 1,614,000 alleles (0.000062%); highest among the groups gnomAD compares: Non-Finnish European, 0.000085%; no homozygotes.

Submission:

Labcorp Genetics (formerly Invitae), Labcorp
Classification: Uncertain significance for Carney complex, type 1. Last evaluated: 2021-08-26. Review status: criteria provided, single submitter. Criteria: Invitae Variant Classification Sherloc (09022015). Collection method: clinical testing. Allele origin: germline.
Comment: This sequence change replaces leucine with arginine at codon 303 of the PRKAR1A protein (p.Leu303Arg). The leucine residue is highly conserved and there is a moderate physicochemical difference between leucine and arginine. This variant is not present in population databases (ExAC no frequency). This variant has not been reported in the literature in individuals affected with PRKAR1A-related conditions. Algorithms developed to predict the effect of missense changes on protein structure and function are either unavailable or do not agree on the potential impact of this missense change (SIFT: "Deleterious"; PolyPhen-2: "Benign"; Align-GVGD: "Class C0"). In summary, the available evidence is currently insufficient to determine the role of this variant in disease. Therefore, it has been classified as a Variant of Uncertain Significance.